The following is an entry in ClinVar:

NM_018341.3(ERMARD):c.5A>T (p.Glu2Val)

Gene: ERMARD (ER membrane associated RNA degradation; plus strand). Cytogenetic location: 6q27.
Variant type: single nucleotide variant.
Coding change: c.5A>T on transcript NM_018341.3 (MANE Select); coding-DNA position 5, A replaced by T.
Protein change: p.Glu2Val; replaces glutamic acid 2 with valine.
Molecular consequence: missense variant. On other transcripts: 5 prime UTR variant (1).
Genome position (GRCh38, 1-based): chr6:169,751,662, A>T. VCF-style: chr6-169751662-A-T. GRCh37 (hg19) VCF-style: chr6-170151758-A-T.
Other names: c.5A>T, p.Glu2Val (NM_001278531.2, NM_001278533.2); c.-205A>T (NM_001278532.2); short protein forms E2V.
Identifiers: ClinVar variation 507371 (VCV000507371.16), dbSNP rs200330797, ClinGen allele CA4105683.

ClinVar aggregate classification (germline): Benign/Likely benign. Review status: criteria provided, multiple submitters, no conflicts (2 of 4 stars). 3 submissions from 3 submitters: Benign (2); Likely benign (1). Last evaluated 2026-01-19.

Allele frequency attached by ClinVar (database versions not stated): gnomAD exomes 0.00080; ExAC 0.00170; ESP Exome Variant Server 0.00370; gnomAD 0.00392 and 0.00424; TOPMed 0.00466; 1000 Genomes Project 0.00479; 1000 Genomes Project 30x 0.00484.
gnomAD v4.1: 1,123 of 1,559,082 alleles (0.072%); highest among the groups gnomAD compares: African/African-American, 1.3%; 7 homozygotes.

Submissions (3):

Labcorp Genetics (formerly Invitae), Labcorp
Classification: Benign. Last evaluated: 2026-01-19. Review status: criteria provided, single submitter. Criteria: Invitae Variant Classification Sherloc (09022015). Collection method: clinical testing. Allele origin: germline.

CeGaT Center for Human Genetics Tuebingen
Classification: Likely benign. Last evaluated: 2025-11-01. Review status: criteria provided, single submitter. Criteria: CeGaT Center For Human Genetics Tuebingen Variant Classification Criteria Version 2. Collection method: clinical testing. Allele origin: germline. Affected: yes. Observed: 1 variant allele.
Comment: ERMARD: BP4, BS1

GeneDx
Classification: Benign. Last evaluated: 2017-06-02. Review status: criteria provided, single submitter. Criteria: GeneDx Variant Classification (06012015). Collection method: clinical testing. Allele origin: germline. Affected: yes.
Comment: This variant is considered likely benign or benign based on one or more of the following criteria: it is a conservative change, it occurs at a poorly conserved position in the protein, it is predicted to be benign by multiple in silico algorithms, and/or has population frequency not consistent with disease.